The following is an entry in ClinVar:

NM_000322.5(PRPH2):c.730_736delinsCAGCTCCTCCAGACGGGTGCACCAGAC (p.Asn244fs)

Gene: PRPH2 (peripherin 2; minus strand). Cytogenetic location: 6p21.1.
Variant type: Indel.
Coding change: c.730_736delinsCAGCTCCTCCAGACGGGTGCACCAGAC on transcript NM_000322.5 (MANE Select); coding-DNA positions 730 to 736, AACCTGT replaced by CAGCTCCTCCAGACGGGTGCACCAGAC.
Protein change: p.Asn244fs; shifts the reading frame from asparagine 244.
Molecular consequence: frameshift variant.
Genome position (GRCh38, 1-based): chr6:42,704,457-42,704,463, ACAGGTT replaced by GTCTGGTGCACCCGTCTGGAGGAGCTG on the plus strand (AACCTGT replaced by CAGCTCCTCCAGACGGGTGCACCAGAC on the coding strand, the reverse complement: PRPH2 is on the minus strand). GRCh37 (hg19): chr6:42,672,195-42,672,201.
Other names: short protein forms N244fs.
Identifiers: ClinVar variation 1175270 (VCV001175270.1), dbSNP rs2152005260, ClinGen allele CA2499218269.
Genomic context (GRCh38, chr6:42,704,457, plus strand): 5'-CCATGGAGTTCATGAGGCTGCTGTAGTAGCTCAGCAGGGCAGCCCTGCAGCCACGCACCC[ACAGGTT>GTCTGGTGCACCCGTCTGGAGGAGCTG]GAGCTCCTCCGTCTGGTGGTCGTAACTGTAGTGTGCTGAGTTGTTGGTGATCTGATACTG-3'

ClinVar aggregate classification (germline): Likely pathogenic (0 of 4 stars; one submission).

Submission:

Leiden Open Variation Database
Classification: Likely pathogenic. Last evaluated: 2021-04-06. Review status: no assertion criteria provided. Collection method: curation. Allele origin: germline. Affected: yes.
Comment: Curator: Global Variome, with Curator vacancy. Submitter to LOVD: Manon Peeters.

Literature cited by the submitters: PubMed 29844330.